The following is an entry in ClinVar:

NM_020806.5(GPHN):c.715G>A (p.Ala239Thr)

Gene: GPHN (gephyrin; plus strand). Cytogenetic location: 14q23.3.
Variant type: single nucleotide variant.
Coding change: c.715G>A on transcript NM_020806.5 (MANE Select); coding-DNA position 715, G replaced by A.
Protein change: p.Ala239Thr; replaces alanine 239 with threonine.
Molecular consequence: missense variant.
Genome position (GRCh38, 1-based): chr14:66,922,924, G>A. VCF-style: chr14-66922924-G-A. GRCh37 (hg19) VCF-style: chr14-67389641-G-A.
Other names: c.715G>A, p.Ala239Thr (NM_001024218.2, NM_001377515.1, NM_001377516.1 and 2 more transcripts); c.754G>A, p.Ala252Thr (NM_001377514.1, NM_001377519.1); short protein forms A239T, A252T.
Identifiers: ClinVar variation 955682 (VCV000955682.13), dbSNP rs751089463, ClinGen allele CA7233803.

ClinVar aggregate classification (germline): Uncertain significance. Review status: criteria provided, multiple submitters, no conflicts (2 of 4 stars). 3 submissions from 3 submitters: Uncertain significance (3). Last evaluated 2025-11-19.

Conditions:
Sulfite oxidase deficiency due to molybdenum cofactor deficiency type C. Also called: Molybdenum cofactor deficiency C; Molybdenum cofactor deficiency, complementation group C. Identifiers: Orphanet 308400, Orphanet 833, MedGen C1854990, MONDO:0014212, OMIM 615501.
Inborn genetic diseases. Identifiers: MedGen C0950123, MeSH D030342.

Allele frequency attached by ClinVar (database versions not stated): ExAC 0.00003; gnomAD 0.00003 and 0.00004; TOPMed 0.00003; gnomAD exomes 0.00004.
gnomAD v4.1: 78 of 1,611,956 alleles (0.0048%); highest among the groups gnomAD compares: Non-Finnish European, 0.0064%; no homozygotes.

Submissions (3):

Ambry Genetics
Classification: Uncertain significance for Inborn genetic diseases. Last evaluated: 2025-11-19. Review status: criteria provided, single submitter. Criteria: Ambry Variant Classification Scheme 2023. Collection method: clinical testing. Allele origin: germline.

Labcorp Genetics (formerly Invitae), Labcorp
Classification: Uncertain significance for Sulfite oxidase deficiency due to molybdenum cofactor deficiency type C. Last evaluated: 2025-08-20. Review status: criteria provided, single submitter. Criteria: Invitae Variant Classification Sherloc (09022015). Collection method: clinical testing. Allele origin: germline.
Comment: This sequence change replaces alanine, which is neutral and non-polar, with threonine, which is neutral and polar, at codon 239 of the GPHN protein (p.Ala239Thr). This variant is present in population databases (rs751089463, gnomAD 0.006%). This variant has not been reported in the literature in individuals affected with GPHN-related conditions. ClinVar contains an entry for this variant (Variation ID: 955682). Invitae Evidence Modeling of protein sequence and biophysical properties (such as structural, functional, and spatial information, amino acid conservation, physicochemical variation, residue mobility, and thermodynamic stability) indicates that this missense variant is not expected to disrupt GPHN protein function with a negative predictive value of 80%. In summary, the available evidence is currently insufficient to determine the role of this variant in disease. Therefore, it has been classified as a Variant of Uncertain Significance.

Revvity Omics, Revvity
Classification: Uncertain significance for Sulfite oxidase deficiency due to molybdenum cofactor deficiency type C. Last evaluated: 2019-06-12. Review status: criteria provided, single submitter. Criteria: ACMG Guidelines, 2015. Collection method: clinical testing. Allele origin: germline.